The following is an entry in ClinVar:

NM_001378120.1(MBD5):c.25G>C (p.Gly9Arg)

Gene: MBD5 (methyl-CpG binding domain protein 5; plus strand). Cytogenetic location: 2q23.1.
Variant type: single nucleotide variant.
Coding change: c.25G>C on transcript NM_001378120.1 (MANE Select); coding-DNA position 25, G replaced by C.
Protein change: p.Gly9Arg; replaces glycine 9 with arginine.
Molecular consequence: missense variant.
Genome position (GRCh38, 1-based): chr2:148,458,783, G>C. VCF-style: chr2-148458783-G-C. GRCh37 (hg19) VCF-style: chr2-149216352-G-C.
Other names: c.25G>C, p.Gly9Arg (NM_018328.5); short protein forms G9R.
Identifiers: ClinVar variation 579901 (VCV000579901.11), dbSNP rs143952512, ClinGen allele CA1899801.

ClinVar aggregate classification (germline): Conflicting classifications of pathogenicity. Review status: criteria provided, conflicting classifications (1 of 4 stars). 4 submissions from 4 submitters: Uncertain significance (2); Likely benign (2). Last evaluated 2026-06-09.

Conditions:
Inborn genetic diseases. Identifiers: MedGen C0950123, MeSH D030342.
MBD5-related disorder. Also called: MBD5-related condition.
Intellectual developmental disorder, autosomal dominant 1. Also called: Intellectual disability, autosomal dominant 1; MBD5 Haploinsufficiency. Identifiers: Orphanet 228402, MedGen C1969562, MONDO:0007974, OMIM 156200.

Allele frequency attached by ClinVar (database versions not stated): TOPMed 0.00003; ESP Exome Variant Server 0.00008.
gnomAD v4.1: 50 of 1,613,432 alleles (0.0031%); highest among the groups gnomAD compares: Middle Eastern, 0.099%; no homozygotes.

Submissions (4):

PreventionGenetics, part of Exact Sciences
Classification: Uncertain significance for MBD5-related condition. Last evaluated: 2026-06-09. Review status: criteria provided, single submitter. Criteria: ACMG Guidelines, 2015. Collection method: clinical testing. Allele origin: germline.
Comment: The MBD5 c.25G>C variant is predicted to result in the amino acid substitution p.Gly9Arg. To our knowledge, this variant has not been reported in the literature. This variant is reported in 0.0098% of alleles in individuals of South Asian descent in gnomAD. At this time, the clinical significance of this variant is uncertain due to the absence of conclusive functional and genetic evidence.

Labcorp Genetics (formerly Invitae), Labcorp
Classification: Uncertain significance for Intellectual developmental disorder, autosomal dominant 1. Last evaluated: 2026-02-02. Review status: criteria provided, single submitter. Criteria: Invitae Variant Classification Sherloc (09022015). Collection method: clinical testing. Allele origin: germline.
Comment: This sequence change replaces glycine, which is neutral and non-polar, with arginine, which is basic and polar, at codon 9 of the MBD5 protein (p.Gly9Arg). This variant is present in population databases (rs143952512, gnomAD 0.01%). This variant has not been reported in the literature in individuals affected with MBD5-related conditions. ClinVar contains an entry for this variant (Variation ID: 579901). Invitae Evidence Modeling of protein sequence and biophysical properties (such as structural, functional, and spatial information, amino acid conservation, physicochemical variation, residue mobility, and thermodynamic stability) indicates that this missense variant is not expected to disrupt MBD5 protein function with a negative predictive value of 80%. In summary, the available evidence is currently insufficient to determine the role of this variant in disease. Therefore, it has been classified as a Variant of Uncertain Significance.

Ambry Genetics
Classification: Likely benign for Inborn genetic diseases. Last evaluated: 2023-04-20. Review status: criteria provided, single submitter. Criteria: Ambry Variant Classification Scheme 2023. Collection method: clinical testing. Allele origin: germline.

GeneDx
Classification: Likely benign. Last evaluated: 2019-01-14. Review status: criteria provided, single submitter. Criteria: GeneDx Variant Classification Process June 2021. Collection method: clinical testing. Allele origin: germline. Affected: yes.